The following is an entry in ClinVar:

ClinVar aggregate classification (germline): Uncertain significance (1 of 4 stars; one submission).

Conditions:
Autoimmune lymphoproliferative syndrome type 1. Also called: AUTOIMMUNE LYMPHOPROLIFERATIVE SYNDROME, TYPE I, AUTOSOMAL DOMINANT. Identifiers: Orphanet 3261, MedGen C2717884, MONDO:0011158, OMIM 601859.

Submission:

Labcorp Genetics (formerly Invitae), Labcorp
Classification: Uncertain significance for Autoimmune lymphoproliferative syndrome. Last evaluated: 2023-10-13. Review status: criteria provided, single submitter. Criteria: Invitae Variant Classification Sherloc (09022015). Collection method: clinical testing. Allele origin: germline.
Comment: This sequence change replaces leucine, which is neutral and non-polar, with phenylalanine, which is neutral and non-polar, at codon 334 of the FAS protein (p.Leu334Phe). This variant is not present in population databases (gnomAD no frequency). This variant has not been reported in the literature in individuals affected with FAS-related conditions. ClinVar contains an entry for this variant (Variation ID: 1365913). Algorithms developed to predict the effect of missense changes on protein structure and function output the following: SIFT: "Not Available"; PolyPhen-2: "Benign"; Align-GVGD: "Not Available". The phenylalanine amino acid residue is found in multiple mammalian species, which suggests that this missense change does not adversely affect protein function. In summary, the available evidence is currently insufficient to determine the role of this variant in disease. Therefore, it has been classified as a Variant of Uncertain Significance.

NM_000043.6(FAS):c.1002G>T (p.Leu334Phe)

Gene: FAS (Fas cell surface death receptor; plus strand). Cytogenetic location: 10q23.31.
Variant type: single nucleotide variant.
Coding change: c.1002G>T on transcript NM_000043.6 (MANE Select); coding-DNA position 1002, G replaced by T.
Protein change: p.Leu334Phe; replaces leucine 334 with phenylalanine.
Molecular consequence: missense variant. On other transcripts: 3 prime UTR variant (2), non-coding transcript variant (7).
Genome position (GRCh38, 1-based): chr10:89,014,444, G>T. VCF-style: chr10-89014444-G-T. GRCh37 (hg19) VCF-style: chr10-90774201-G-T.
Other names: c.*325G>T (NM_001320619.2); c.939G>T, p.Leu313Phe (NM_152871.4); c.*314G>T (NM_152872.4); short protein forms L334F, L313F.
Identifiers: ClinVar variation 1365913 (VCV001365913.6), dbSNP rs1848690736, ClinGen allele CA377510300.